The following is an entry in ClinVar:

NM_000111.3(SLC26A3):c.29T>C (p.Ile10Thr)

Gene: SLC26A3 (solute carrier family 26 member 3; minus strand). Cytogenetic location: 7q22.3.
Variant type: single nucleotide variant.
Coding change: c.29T>C on transcript NM_000111.3 (MANE Select); coding-DNA position 29, T replaced by C.
Protein change: p.Ile10Thr; replaces isoleucine 10 with threonine.
Molecular consequence: missense variant.
Genome position (GRCh38, 1-based): chr7:107,794,481, A>G on the plus strand (T>C on the coding strand, the complement: SLC26A3 is on the minus strand). VCF-style: chr7-107794481-A-G. GRCh37 (hg19) VCF-style: chr7-107434926-A-G.
Other names: c.29T>C (NM_000111.2); short protein forms I10T.
Identifiers: ClinVar variation 1361299 (VCV001361299.5), dbSNP rs752391046, ClinGen allele CA4434268.

ClinVar aggregate classification (germline): Uncertain significance. Review status: criteria provided, multiple submitters, no conflicts (2 of 4 stars). 2 submissions from 2 submitters: Uncertain significance (2). Last evaluated 2024-11-15.

Conditions:
Inborn genetic diseases. Identifiers: MedGen C0950123, MeSH D030342.

Allele frequency attached by ClinVar (database versions not stated): gnomAD exomes 0.00002 and 0.00009; ExAC 0.00003; gnomAD 0.00003; TOPMed 0.00004.
gnomAD v4.1: 136 of 1,613,950 alleles (0.0084%); highest among the groups gnomAD compares: Non-Finnish European, 0.011%; no homozygotes.

Submissions (2):

Ambry Genetics
Classification: Uncertain significance for Inborn genetic diseases. Last evaluated: 2024-11-15. Review status: criteria provided, single submitter. Criteria: Ambry Variant Classification Scheme 2023. Collection method: clinical testing. Allele origin: germline.

Labcorp Genetics (formerly Invitae), Labcorp
Classification: Uncertain significance. Last evaluated: 2022-06-24. Review status: criteria provided, single submitter. Criteria: Invitae Variant Classification Sherloc (09022015). Collection method: clinical testing. Allele origin: germline.
Comment: This sequence change replaces isoleucine, which is neutral and non-polar, with threonine, which is neutral and polar, at codon 10 of the SLC26A3 protein (p.Ile10Thr). This variant is present in population databases (rs752391046, gnomAD 0.004%). This variant has not been reported in the literature in individuals affected with SLC26A3-related conditions. Advanced modeling of protein sequence and biophysical properties (such as structural, functional, and spatial information, amino acid conservation, physicochemical variation, residue mobility, and thermodynamic stability) performed at Invitae indicates that this missense variant is not expected to disrupt SLC26A3 protein function. In summary, the available evidence is currently insufficient to determine the role of this variant in disease. Therefore, it has been classified as a Variant of Uncertain Significance.